The following is an entry in ClinVar:

NM_000257.4(MYH7):c.2666T>C (p.Leu889Pro)

Genes: MYH7 (myosin heavy chain 7; minus strand), LOC126861898 (BRD4-independent group 4 enhancer GRCh37_chr14:23893609-23894808; plus strand). Cytogenetic location: 14q11.2.
Variant type: single nucleotide variant.
Coding change: c.2666T>C on transcript NM_000257.4 (MANE Select); coding-DNA position 2666, T replaced by C.
Protein change: p.Leu889Pro; replaces leucine 889 with proline.
Molecular consequence: missense variant.
Genome position (GRCh38, 1-based): chr14:23,424,782, A>G on the plus strand (T>C on the coding strand, the complement: MYH7 is on the minus strand). VCF-style: chr14-23424782-A-G. GRCh37 (hg19) VCF-style: chr14-23893991-A-G.
Other names: short protein forms L889P.
Identifiers: ClinVar variation 1047119 (VCV001047119.9), dbSNP rs886038813, ClinGen allele CA389047836.

ClinVar aggregate classification (germline): Uncertain significance (1 of 4 stars; one submission).

Conditions:
Hypertrophic cardiomyopathy. Also called: HYPERTROPHIC MYOCARDIOPATHY. Identifiers: Orphanet 217569, MedGen C0007194, MeSH D002312, MONDO:0005045, HP:0001639.

Submission:

Labcorp Genetics (formerly Invitae), Labcorp
Classification: Uncertain significance for Hypertrophic cardiomyopathy. Last evaluated: 2024-07-11. Review status: criteria provided, single submitter. Criteria: Invitae Variant Classification Sherloc (09022015). Collection method: clinical testing. Allele origin: germline.
Comment: This sequence change replaces leucine, which is neutral and non-polar, with proline, which is neutral and non-polar, at codon 889 of the MYH7 protein (p.Leu889Pro). This variant is not present in population databases (gnomAD no frequency). This missense change has been observed in individual(s) with hypertrophic cardiomyopathy (Invitae). ClinVar contains an entry for this variant (Variation ID: 1047119). Advanced modeling of protein sequence and biophysical properties (such as structural, functional, and spatial information, amino acid conservation, physicochemical variation, residue mobility, and thermodynamic stability) performed at Invitae indicates that this missense variant is expected to disrupt MYH7 protein function with a positive predictive value of 95%. This variant disrupts the p.Leu889 amino acid residue in MYH7. Other variant(s) that disrupt this residue have been observed in individuals with MYH7-related conditions (Invitae), which suggests that this may be a clinically significant amino acid residue. In summary, the available evidence is currently insufficient to determine the role of this variant in disease. Therefore, it has been classified as a Variant of Uncertain Significance.